The following is an entry in ClinVar:

NM_000051.4(ATM):c.3526C>G (p.Leu1176Val)

Gene: ATM (ATM serine/threonine kinase; plus strand). Cytogenetic location: 11q22.3.
Variant type: single nucleotide variant.
Coding change: c.3526C>G on transcript NM_000051.4 (MANE Select); coding-DNA position 3526, C replaced by G.
Protein change: p.Leu1176Val; replaces leucine 1176 with valine.
Molecular consequence: missense variant.
Genome position (GRCh38, 1-based): chr11:108,281,118, C>G. VCF-style: chr11-108281118-C-G. GRCh37 (hg19) VCF-style: chr11-108151845-C-G.
Other names: c.3526C>G, p.Leu1176Val (NM_001351834.2); short protein forms L1176V.
Identifiers: ClinVar variation 857884 (VCV000857884.9), dbSNP rs1462728109, ClinGen allele CA382520109.

ClinVar aggregate classification (germline): Uncertain significance. Review status: criteria provided, multiple submitters, no conflicts (2 of 4 stars). 3 submissions from 3 submitters: Uncertain significance (3). Last evaluated 2025-11-20.

Conditions:
Hereditary cancer-predisposing syndrome. Also called: Hereditary neoplastic syndrome; Tumor predisposition; Neoplastic Syndromes, Hereditary; Hereditary Cancer Syndrome. Identifiers: Orphanet 140162, MedGen C0027672, MeSH D009386, MONDO:0015356.
Ataxia-telangiectasia syndrome (AT). Also called: Ataxia telangiectasia (A-T); Cerebello-oculocutaneous telangiectasia; Immunodeficiency with ataxia telangiectasia; AT, COMPLEMENTATION GROUP C; ATAXIA-TELANGIECTASIA, COMPLEMENTATION GROUP A; ATAXIA-TELANGIECTASIA, FRESNO VARIANT. Identifiers: Orphanet 100, MedGen C0004135, MONDO:0008840, OMIM 208900.

Allele frequency attached by ClinVar (database versions not stated): gnomAD 0.00001; TOPMed 0.00001.
gnomAD v4.1: 1 of 1,613,738 alleles (0.000062%); highest among the groups gnomAD compares: African/African-American, 0.0013%; no homozygotes.

Submissions (3):

Ambry Genetics
Classification: Uncertain significance for Hereditary cancer-predisposing syndrome. Last evaluated: 2025-11-20. Review status: criteria provided, single submitter. Criteria: Ambry Variant Classification Scheme 2023. Collection method: clinical testing. Allele origin: germline.
Comment: The p.L1176V variant (also known as c.3526C>G), located in coding exon 23 of the ATM gene, results from a C to G substitution at nucleotide position 3526. The leucine at codon 1176 is replaced by valine, an amino acid with highly similar properties. This amino acid position is conserved. In addition, this alteration is predicted to be tolerated by in silico analysis. Since supporting evidence is limited at this time, the clinical significance of this alteration remains unclear.

Labcorp Genetics (formerly Invitae), Labcorp
Classification: Uncertain significance for Ataxia-telangiectasia syndrome. Last evaluated: 2025-10-23. Review status: criteria provided, single submitter. Criteria: Invitae Variant Classification Sherloc (09022015). Collection method: clinical testing. Allele origin: germline.
Comment: This sequence change replaces leucine, which is neutral and non-polar, with valine, which is neutral and non-polar, at codon 1176 of the ATM protein (p.Leu1176Val). This variant is not present in population databases (gnomAD no frequency). This variant has not been reported in the literature in individuals affected with ATM-related conditions. ClinVar contains an entry for this variant (Variation ID: 857884). Invitae Evidence Modeling of protein sequence and biophysical properties (such as structural, functional, and spatial information, amino acid conservation, physicochemical variation, residue mobility, and thermodynamic stability) indicates that this missense variant is not expected to disrupt ATM protein function with a negative predictive value of 95%. RNA analysis performed to evaluate the impact of this missense change on mRNA splicing indicates it does not significantly alter splicing (internal data). In summary, the available evidence is currently insufficient to determine the role of this variant in disease. Therefore, it has been classified as a Variant of Uncertain Significance.

Color Diagnostics, LLC DBA Color Health
Classification: Uncertain significance for Hereditary cancer-predisposing syndrome. Last evaluated: 2025-07-28. Review status: criteria provided, single submitter. Criteria: ACMG Guidelines, 2015. Collection method: clinical testing. Allele origin: germline.
Comment: This missense variant replaces leucine with valine at codon 1176 of the ATM protein. Computational prediction suggests that this variant may not impact protein structure and function. To our knowledge, functional studies have not been reported for this variant. This variant has not been reported in individuals affected with ATM-related disorders in the literature. This variant has not been identified in the general population by the Genome Aggregation Database (gnomAD). The available evidence is insufficient to determine the role of this variant in disease conclusively. Therefore, this variant is classified as a Variant of Uncertain Significance.